The following is an entry in ClinVar:

NM_052947.4(ALPK2):c.5188A>G (p.Lys1730Glu)

Genes: ALPK2 (alpha kinase 2; minus strand), LOC130062577 (ATAC-STARR-seq lymphoblastoid active region 13389; plus strand). Cytogenetic location: 18q21.31.
Variant type: single nucleotide variant.
Coding change: c.5188A>G on transcript NM_052947.4 (MANE Select); coding-DNA position 5188, A replaced by G.
Protein change: p.Lys1730Glu; replaces lysine 1730 with glutamic acid.
Molecular consequence: missense variant.
Genome position (GRCh38, 1-based): chr18:58,534,999, T>C on the plus strand (A>G on the coding strand, the complement: ALPK2 is on the minus strand). VCF-style: chr18-58534999-T-C. GRCh37 (hg19) VCF-style: chr18-56202231-T-C.
Other names: short protein forms K1730E.
Identifiers: ClinVar variation 3056003 (VCV003056003.2), dbSNP rs17065127, ClinGen allele CA8976560.

ClinVar aggregate classification (germline): Benign (0 of 4 stars; one submission).

Conditions:
ALPK2-related disorder. Also called: ALPK2-related condition.

Allele frequency attached by ClinVar (database versions not stated): gnomAD exomes 0.02339; ExAC 0.02995; gnomAD 0.04604; ESP Exome Variant Server 0.04982; TOPMed 0.05084; 1000 Genomes Project 0.05751; 1000 Genomes Project 30x 0.06027.
gnomAD v4.1: 41,469 of 1,614,132 alleles (2.6%); highest among the groups gnomAD compares: African/African-American, 11%; 922 homozygotes.

Submission:

PreventionGenetics, part of Exact Sciences
Classification: Benign for ALPK2-related condition. Last evaluated: 2019-08-12. Review status: no assertion criteria provided. Collection method: clinical testing. Allele origin: germline.
Comment: This variant is classified as benign based on ACMG/AMP sequence variant interpretation guidelines (Richards et al. 2015 PMID: 25741868, with internal and published modifications).